The following is an entry in ClinVar:

NM_003126.4(SPTA1):c.5779G>A (p.Asp1927Asn)

Gene: SPTA1 (spectrin alpha, erythrocytic 1; minus strand). Cytogenetic location: 1q23.1.
Variant type: single nucleotide variant.
Coding change: c.5779G>A on transcript NM_003126.4 (MANE Select); coding-DNA position 5779, G replaced by A.
Protein change: p.Asp1927Asn; replaces aspartic acid 1927 with asparagine.
Molecular consequence: missense variant.
Genome position (GRCh38, 1-based): chr1:158,626,893, C>T on the plus strand (G>A on the coding strand, the complement: SPTA1 is on the minus strand). VCF-style: chr1-158626893-C-T. GRCh37 (hg19) VCF-style: chr1-158596683-C-T.
Other names: short protein forms D1927N.
Identifiers: ClinVar variation 4799814 (VCV004799814.7).

ClinVar aggregate classification (germline): Conflicting classifications of pathogenicity. Review status: criteria provided, conflicting classifications (1 of 4 stars). 3 submissions from 3 submitters: Uncertain significance (2); Likely benign (1). Last evaluated 2026-04-28.

gnomAD v4.1: 79 of 1,613,856 alleles (0.0049%); highest among the groups gnomAD compares: Middle Eastern, 0.05%; no homozygotes.

Submissions (3):

Dasa
Classification: Uncertain significance. Last evaluated: 2026-04-28. Review status: criteria provided, single submitter. Criteria: DASA Assertion Criteria. Collection method: clinical testing. Allele origin: germline.
Comment: NM_003126.4(SPTA1):c.5779G>A (p.Asp1927Asn) is a missense variant that results in the substitution of aspartic acid with asparagine. This variant has been observed in affected individuals with SPTA1-related disorders. Also, this variant is rare in population databases. The currently available literature and clinical evidence are not sufficient to establish a definitive association between this variant and the reported condition. Therefore, this variant is classified as a variant of uncertain significance.

CeGaT Center for Human Genetics Tuebingen
Classification: Uncertain significance. Last evaluated: 2026-03-01. Review status: criteria provided, single submitter. Criteria: CeGaT Center For Human Genetics Tuebingen Variant Classification Criteria Version 2. Collection method: clinical testing. Allele origin: germline. Affected: yes. Observed: 1 variant allele.
Comment: SPTA1: PM2:Supporting, BP4

Labcorp Genetics (formerly Invitae), Labcorp
Classification: Likely benign. Last evaluated: 2025-05-19. Review status: criteria provided, single submitter. Criteria: Invitae Variant Classification Sherloc (09022015). Collection method: clinical testing. Allele origin: germline.